The following is an entry in ClinVar:

NM_001184.4(ATR):c.958A>G (p.Met320Val)

Gene: ATR (ATR checkpoint kinase; minus strand). Cytogenetic location: 3q23.
Variant type: single nucleotide variant.
Coding change: c.958A>G on transcript NM_001184.4 (MANE Select); coding-DNA position 958, A replaced by G.
Protein change: p.Met320Val; replaces methionine 320 with valine.
Molecular consequence: missense variant.
Genome position (GRCh38, 1-based): chr3:142,562,444, T>C on the plus strand (A>G on the coding strand, the complement: ATR is on the minus strand). VCF-style: chr3-142562444-T-C. GRCh37 (hg19) VCF-style: chr3-142281286-T-C.
Other names: c.958A>G, p.Met320Val (NM_001354579.2); short protein forms M320V.
Identifiers: ClinVar variation 1363998 (VCV001363998.9), dbSNP rs1467405815, ClinGen allele CA354824371.

ClinVar aggregate classification (germline): Uncertain significance. Review status: criteria provided, multiple submitters, no conflicts (2 of 4 stars). 4 submissions from 3 submitters: Uncertain significance (4). Last evaluated 2025-06-01.

Conditions:
Seckel syndrome 1 (SCKL1). Also called: MICROCEPHALIC PRIMORDIAL DWARFISM I. Identifiers: Orphanet 808, MedGen C4551474, MONDO:0008869, OMIM 210600.
Inborn genetic diseases. Identifiers: MedGen C0950123, MeSH D030342.
Familial cutaneous telangiectasia and oropharyngeal predisposition cancer syndrome. Identifiers: Orphanet 313846, MedGen C3281203, MONDO:0013806, OMIM 614564.

Allele frequency attached by ClinVar (database versions not stated): gnomAD exomes below 0.00001 and 0.00001; TOPMed 0.00001.
gnomAD v4.1: 7 of 1,614,136 alleles (0.00043%); highest among the groups gnomAD compares: East Asian, 0.013%; no homozygotes.

Submissions (4):

Labcorp Genetics (formerly Invitae), Labcorp
Classification: Uncertain significance. Last evaluated: 2025-06-01. Review status: criteria provided, single submitter. Criteria: Invitae Variant Classification Sherloc (09022015). Collection method: clinical testing. Allele origin: germline.
Comment: This sequence change replaces methionine, which is neutral and non-polar, with valine, which is neutral and non-polar, at codon 320 of the ATR protein (p.Met320Val). This variant is present in population databases (no rsID available, gnomAD 0.01%). This variant has not been reported in the literature in individuals affected with ATR-related conditions. ClinVar contains an entry for this variant (Variation ID: 1363998). An algorithm developed to predict the effect of missense changes on protein structure and function outputs the following: PolyPhen-2: "Benign". The valine amino acid residue is found in multiple mammalian species, which suggests that this missense change does not adversely affect protein function. In summary, the available evidence is currently insufficient to determine the role of this variant in disease. Therefore, it has been classified as a Variant of Uncertain Significance.

Genome-Nilou Lab
Classification: Uncertain significance for Seckel syndrome 1. Last evaluated: 2023-02-08. Review status: criteria provided, single submitter. Criteria: ACMG Guidelines, 2015. Collection method: clinical testing. Allele origin: germline.

Genome-Nilou Lab
Classification: Uncertain significance for Familial cutaneous telangiectasia and oropharyngeal predisposition cancer syndrome. Last evaluated: 2023-02-08. Review status: criteria provided, single submitter. Criteria: ACMG Guidelines, 2015. Collection method: clinical testing. Allele origin: germline.

Ambry Genetics
Classification: Uncertain significance for Inborn genetic diseases. Last evaluated: 2022-10-17. Review status: criteria provided, single submitter. Criteria: Ambry Variant Classification Scheme 2023. Collection method: clinical testing. Allele origin: germline.
Comment: The p.M320V variant (also known as c.958A>G), located in coding exon 4 of the ATR gene, results from an A to G substitution at nucleotide position 958. The methionine at codon 320 is replaced by valine, an amino acid with highly similar properties. This amino acid position is conserved. In addition, this alteration is predicted to be tolerated by in silico analysis. Since supporting evidence is limited at this time, the clinical significance of this alteration remains unclear.